The following is an entry in ClinVar:

ClinVar aggregate classification (germline): Likely benign. Review status: criteria provided, single submitter (1 of 4 stars). 2 submissions from 2 submitters: Likely benign (1). 1 of the submissions does not count toward it. Last evaluated 2023-07-12.

Conditions:
FLVCR2-related disorder. Also called: FLVCR2-related condition.

Allele frequency attached by ClinVar (database versions not stated): TOPMed 0.00063; ESP Exome Variant Server 0.00085; gnomAD exomes 0.00004; ExAC 0.00025; gnomAD 0.00057.
gnomAD v4.1: 150 of 1,606,732 alleles (0.0093%); highest among the groups gnomAD compares: African/African-American, 0.18%; no homozygotes.

Submissions (2):

Labcorp Genetics (formerly Invitae), Labcorp
Classification: Likely benign. Last evaluated: 2023-07-12. Review status: criteria provided, single submitter. Criteria: Invitae Variant Classification Sherloc (09022015). Collection method: clinical testing. Allele origin: germline.

PreventionGenetics, part of Exact Sciences
Classification: Likely benign for FLVCR2-related condition. Last evaluated: 2019-12-27. Review status: no assertion criteria provided. Collection method: clinical testing. Allele origin: germline. Not counted in ClinVar's aggregate classification.
Comment: This variant is classified as likely benign based on ACMG/AMP sequence variant interpretation guidelines (Richards et al. 2015 PMID: 25741868, with internal and published modifications).

NM_017791.3(FLVCR2):c.1021-5C>T

Gene: FLVCR2 (FLVCR choline and putative heme transporter 2; plus strand). Cytogenetic location: 14q24.3.
Variant type: single nucleotide variant.
Coding change: c.1021-5C>T on transcript NM_017791.3 (MANE Select); 5 bases into the intron before coding-DNA position 1021, C replaced by T.
Molecular consequence: intron variant.
Genome position (GRCh38, 1-based): chr14:75,634,905, C>T. VCF-style: chr14-75634905-C-T. GRCh37 (hg19) VCF-style: chr14-76101248-C-T.
Other names: c.1021-5C>T (NM_017791.2); c.406-5C>T (NM_001195283.2).
Identifiers: ClinVar variation 2718415 (VCV002718415.5), dbSNP rs376832369, ClinGen allele CA7278424.